The following is an entry in ClinVar:

ClinVar aggregate classification (germline): Uncertain significance (1 of 4 stars; one submission).

Conditions:
Inborn genetic diseases. Identifiers: MedGen C0950123, MeSH D030342.

Submission:

Ambry Genetics
Classification: Uncertain significance for Inborn genetic diseases. Last evaluated: 2024-08-15. Review status: criteria provided, single submitter. Criteria: Ambry Variant Classification Scheme 2023. Collection method: clinical testing. Allele origin: germline.
Comment: The p.A517G variant (also known as c.1550C>G), located in coding exon 11 of the ACD gene, results from a C to G substitution at nucleotide position 1550. The alanine at codon 517 is replaced by glycine, an amino acid with similar properties. This amino acid position is conserved. In addition, this alteration is predicted to be tolerated by in silico analysis. Based on the available evidence, the clinical significance of this variant remains unclear.

NM_001082486.2(ACD):c.1292C>G (p.Ala431Gly)

Gene: ACD (ACD shelterin complex subunit and telomerase recruitment factor; minus strand). Cytogenetic location: 16q22.1.
Variant type: single nucleotide variant.
Coding change: c.1292C>G on transcript NM_001082486.2 (MANE Select); coding-DNA position 1292, C replaced by G.
Protein change: p.Ala431Gly; replaces alanine 431 with glycine.
Molecular consequence: missense variant.
Genome position (GRCh38, 1-based): chr16:67,657,768, G>C on the plus strand (C>G on the coding strand, the complement: ACD is on the minus strand). VCF-style: chr16-67657768-G-C. GRCh37 (hg19) VCF-style: chr16-67691671-G-C.
Other names: c.1205C>G, p.Ala402Gly (NM_001410884.1); c.1283C>G, p.Ala428Gly (NM_022914.3); short protein forms A428G, A431G, A402G.
Identifiers: ClinVar variation 3480152 (VCV003480152.1).